The following is an entry in ClinVar:

ClinVar aggregate classification (germline): Conflicting classifications of pathogenicity. Review status: criteria provided, conflicting classifications (1 of 4 stars). 3 submissions from 3 submitters: Uncertain significance (2); Likely benign (1). Last evaluated 2025-10-23.

Conditions:
Cardiovascular phenotype. Identifiers: MedGen CN230736.

Allele frequency attached by ClinVar (database versions not stated): gnomAD 0.00003 and 0.00004; ExAC 0.00004; TOPMed 0.00006; ESP Exome Variant Server 0.00015.
gnomAD v4.1: 18 of 1,613,592 alleles (0.0011%); highest among the groups gnomAD compares: African/African-American, 0.02%; no homozygotes.

Submissions (3):

Labcorp Genetics (formerly Invitae), Labcorp
Classification: Uncertain significance. Last evaluated: 2025-10-23. Review status: criteria provided, single submitter. Criteria: Invitae Variant Classification Sherloc (09022015). Collection method: clinical testing. Allele origin: germline.
Comment: This sequence change replaces aspartic acid, which is acidic and polar, with asparagine, which is neutral and polar, at codon 421 of the ALPK3 protein (p.Asp421Asn). This variant is present in population databases (rs148244525, gnomAD 0.02%). This variant has not been reported in the literature in individuals affected with ALPK3-related conditions. ClinVar contains an entry for this variant (Variation ID: 1388132). Invitae Evidence Modeling of protein sequence and biophysical properties (such as structural, functional, and spatial information, amino acid conservation, physicochemical variation, residue mobility, and thermodynamic stability) indicates that this missense variant is expected to disrupt ALPK3 protein function with a positive predictive value of 80%. In summary, the available evidence is currently insufficient to determine the role of this variant in disease. Therefore, it has been classified as a Variant of Uncertain Significance.

Molecular Diagnostic Laboratory for Inherited Cardiovascular Disease, Montreal Heart Institute
Classification: Uncertain significance for Cardiovascular phenotype. Last evaluated: 2025-04-09. Review status: criteria provided, single submitter. Criteria: ACMG Guidelines, 2015. Collection method: clinical testing. Allele origin: germline. Affected: yes.

Ambry Genetics
Classification: Likely benign for Cardiovascular phenotype. Last evaluated: 2024-10-25. Review status: criteria provided, single submitter. Criteria: Ambry Variant Classification Scheme 2023. Collection method: clinical testing. Allele origin: germline.

NM_020778.5(ALPK3):c.655G>A (p.Asp219Asn)

Gene: ALPK3 (alpha kinase 3; plus strand). Cytogenetic location: 15q25.3.
Variant type: single nucleotide variant.
Coding change: c.655G>A on transcript NM_020778.5 (MANE Select); coding-DNA position 655, G replaced by A.
Protein change: p.Asp219Asn; replaces aspartic acid 219 with asparagine.
Molecular consequence: missense variant.
Genome position (GRCh38, 1-based): chr15:84,839,934, G>A. VCF-style: chr15-84839934-G-A. GRCh37 (hg19) VCF-style: chr15-85383165-G-A.
Other names: short protein forms D219N.
Identifiers: ClinVar variation 1388132 (VCV001388132.10), dbSNP rs148244525, ClinGen allele CA7709031.